The following is an entry in ClinVar:

NM_000487.6(ARSA):c.604C>T (p.Arg202Cys)

Gene: ARSA (arylsulfatase A; minus strand). Cytogenetic location: 22q13.33.
Variant type: single nucleotide variant.
Coding change: c.604C>T on transcript NM_000487.6 (MANE Select); coding-DNA position 604, C replaced by T.
Protein change: p.Arg202Cys; replaces arginine 202 with cysteine.
Molecular consequence: missense variant.
Genome position (GRCh38, 1-based): chr22:50,626,914, G>A on the plus strand (C>T on the coding strand, the complement: ARSA is on the minus strand). VCF-style: chr22-50626914-G-A. GRCh37 (hg19) VCF-style: chr22-51065342-G-A.
Other names: c.604C>T, p.Arg202Cys (NM_001085425.3, NM_001085426.3, NM_001085427.3); c.346C>T, p.Arg116Cys (NM_001085428.3, NM_001362782.2); short protein forms R202C, R116C.
Identifiers: ClinVar variation 552314 (VCV000552314.10), dbSNP rs374482942, ClinGen allele CA10324969.
Genomic context (GRCh38, chr22:50,626,914, plus strand): 5'-AGAAGGGGCGATCCTGGCGCTGGGCGTCGGCCATGAGGTCATGGGCGAAAGCCATGTAGC[G>A]GGCCTCTAGTCCGGGCAGCCAGGGGGGCTGCGCCTCCACGGACAGGTTGGCCAACAGTGG-3'
Protein context (NP_000478.3, residues 192-212): QPPWLPGLEA[Arg202Cys]YMAFAHDLMA

ClinVar aggregate classification (germline): Uncertain significance. Review status: criteria provided, multiple submitters, no conflicts (2 of 4 stars). 3 submissions from 3 submitters: Uncertain significance (2). 1 of the submissions does not count toward it. Last evaluated 2024-12-02.

Conditions:
Metachromatic leukodystrophy (MLD). Also called: METACHROMATIC LEUKOENCEPHALOPATHY; SULFATIDE LIPIDOSIS; ARSA DEFICIENCY; CEREBROSIDE SULFATASE DEFICIENCY; Cerebral sclerosis diffuse metachromatic form; Arylsulfatase A Deficiency. Identifiers: Orphanet 512, MedGen C0023522, MONDO:0018868, OMIM 250100.

Allele frequency attached by ClinVar (database versions not stated): gnomAD exomes 0.00001 and 0.00002; TOPMed 0.00001; gnomAD 0.00002; ExAC 0.00003; ESP Exome Variant Server 0.00008.

Submissions (3):

Labcorp Genetics (formerly Invitae), Labcorp
Classification: Uncertain significance for Metachromatic leukodystrophy. Last evaluated: 2024-12-02. Review status: criteria provided, single submitter. Criteria: Invitae Variant Classification Sherloc (09022015). Collection method: clinical testing. Allele origin: germline.
Comment: This sequence change replaces arginine, which is basic and polar, with cysteine, which is neutral and slightly polar, at codon 202 of the ARSA protein (p.Arg202Cys). This variant is present in population databases (rs374482942, gnomAD 0.004%). This missense change has been observed in individual(s) with metachromatic leukodystrophy (PMID: 26462614). ClinVar contains an entry for this variant (Variation ID: 552314). Invitae Evidence Modeling of protein sequence and biophysical properties (such as structural, functional, and spatial information, amino acid conservation, physicochemical variation, residue mobility, and thermodynamic stability) indicates that this missense variant is expected to disrupt ARSA protein function with a positive predictive value of 95%. In summary, the available evidence is currently insufficient to determine the role of this variant in disease. Therefore, it has been classified as a Variant of Uncertain Significance.

GeneDx
Classification: Uncertain significance. Last evaluated: 2021-01-06. Review status: criteria provided, single submitter. Criteria: GeneDx Variant Classification Process June 2021. Collection method: clinical testing. Allele origin: germline. Affected: yes.
Comment: Not observed at a significant frequency in large population cohorts (Lek et al., 2016); In silico analysis supports that this missense variant has a deleterious effect on protein structure/function; Identified in an individual with metachromatic leukodystrophy who also harbored a second ARSA variant, although the phase of these variants was not confirmed and detailed clinical information was not provided for this individual (Cesani et al., 2016); This variant is associated with the following publications: (PMID: 26462614)

Counsyl
Classification: Uncertain significance for Metachromatic leukodystrophy. Last evaluated: 2017-06-05. Review status: no assertion criteria provided. Collection method: clinical testing. Allele origin: unknown. Not counted in ClinVar's aggregate classification.

Literature cited by the submitters: PubMed 26462614 (cited by Labcorp Genetics (formerly Invitae), Labcorp and Counsyl).